The following is an entry in ClinVar:

ClinVar aggregate classification (germline): Pathogenic (1 of 4 stars; one submission).

Conditions:
Charcot-Marie-Tooth disease axonal type 2T. Identifiers: Orphanet 443950, MedGen C4015635, OMIM 617017, MONDO:0014866.

Submission:

Women's Health and Genetics/Laboratory Corporation of America, LabCorp
Classification: Pathogenic for Charcot-Marie-Tooth disease axonal type 2T. Last evaluated: 2023-08-08. Review status: criteria provided, single submitter. Criteria: LabCorp Variant Classification Summary - May 2015. Collection method: clinical testing. Allele origin: germline.
Comment: Variant summary: MME c.1119_1127delGAGATTCAT (p.Trp373X) results in a premature termination codon, predicted to cause a truncation of the encoded protein or absence of the protein due to nonsense mediated decay, which are commonly known mechanisms for disease. The variant was absent in 250784 control chromosomes. To our knowledge, no occurrence of c.1119_1127delGAGATTCAT in individuals affected with Charcot-Marie Disease Axonal Type 2T and no experimental evidence demonstrating its impact on protein function have been reported. No submitters have cited clinical-significance assessments for this variant to ClinVar after 2014. Based on the evidence outlined above, the variant was classified as pathogenic.

NM_007289.4(MME):c.1119_1127del (p.Trp373_Ile376delinsTer)

Gene: MME (membrane metalloendopeptidase; plus strand). Cytogenetic location: 3q25.2.
Variant type: Deletion.
Coding change: c.1119_1127del on transcript NM_007289.4 (MANE Select); coding-DNA positions 1119 to 1127, 9 bases deleted (GAGATTCAT; older notation c.1119_1127delGAGATTCAT).
Protein change: p.Trp373_Ile376delinsTer.
Molecular consequence: nonsense.
Genome position (GRCh38, 1-based): chr3:155,142,261-155,142,269, GAGATTCAT deleted. VCF-style (leftmost placement, unchanged base first): chr3-155142260-GGAGATTCAT-G. GRCh37 (hg19) VCF-style: chr3-154860049-GGAGATTCAT-G.
Other names: c.1119_1127del, p.Trp373_Ile376delinsTer (NM_000902.5, NM_001354642.2, NM_001354643.1 and 2 more transcripts).
Identifiers: ClinVar variation 2581575 (VCV002581575.1), dbSNP rs2473074693, ClinGen allele CA2582342648.
Genomic context (GRCh38, chr3:155,142,260, plus strand): 5'-TCTTTTCTGTTGCTGGGCGGTGGTTTTTTTTATACAGAGATCTTCAAAATTTAATGTCCT[GGAGATTCAT>G]AATGGATCTTGTAAGCAGCCTCAGCCGAACCTACAAGGAGTCCAGAAATGCTTTCCGCAA-3'